The following is an entry in ClinVar:

ClinVar aggregate classification (germline): Uncertain significance (1 of 4 stars; one submission).

Submission:

Labcorp Genetics (formerly Invitae), Labcorp
Classification: Uncertain significance. Last evaluated: 2022-06-29. Review status: criteria provided, single submitter. Criteria: Invitae Variant Classification Sherloc (09022015). Collection method: clinical testing. Allele origin: germline.
Comment: This variant is not present in population databases (gnomAD no frequency). This sequence change replaces threonine, which is neutral and polar, with asparagine, which is neutral and polar, at codon 41 of the CD81 protein (p.Thr41Asn). This variant has not been reported in the literature in individuals affected with CD81-related conditions. In summary, the available evidence is currently insufficient to determine the role of this variant in disease. Therefore, it has been classified as a Variant of Uncertain Significance. Algorithms developed to predict the effect of missense changes on protein structure and function are either unavailable or do not agree on the potential impact of this missense change (SIFT: "Tolerated"; PolyPhen-2: "Probably Damaging"; Align-GVGD: "Class C0").

NM_004356.4(CD81):c.122C>A (p.Thr41Asn)

Gene: CD81 (CD81 molecule; plus strand). Cytogenetic location: 11p15.5.
Variant type: single nucleotide variant.
Coding change: c.122C>A on transcript NM_004356.4 (MANE Select); coding-DNA position 122, C replaced by A.
Protein change: p.Thr41Asn; replaces threonine 41 with asparagine.
Molecular consequence: missense variant. On other transcripts: 5 prime UTR variant (1).
Genome position (GRCh38, 1-based): chr11:2,390,467, C>A. VCF-style: chr11-2390467-C-A. GRCh37 (hg19) VCF-style: chr11-2411697-C-A.
Other names: c.-92C>A (NM_001297649.2); short protein forms T41N.
Identifiers: ClinVar variation 2012333 (VCV002012333.4), dbSNP rs2496509116, ClinGen allele CA379120614.